The following is an entry in ClinVar:

NM_002299.4(LCT):c.1006_1018dup (p.Leu340fs)

Genes: LCT (lactase; minus strand), LOC126806353 (BRD4-independent group 4 enhancer GRCh37_chr2:136574960-136576159; plus strand). Cytogenetic location: 2q21.3.
Variant type: Duplication.
Coding change: c.1006_1018dup on transcript NM_002299.4 (MANE Select); coding-DNA positions 1006 to 1018, 13 bases duplicated (GGCAGCCTGGCCC).
Protein change: p.Leu340fs; shifts the reading frame from leucine 340.
Molecular consequence: frameshift variant.
Genome position (GRCh38, 1-based): chr2:135,818,030-135,818,042, GGGCCAGGCTGCC duplicated on the plus strand (GGCAGCCTGGCCC on the coding strand, the reverse complement: LCT is on the minus strand). VCF-style (leftmost placement, unchanged base first): chr2-135818029-A-AGGGCCAGGCTGCC. GRCh37 (hg19) VCF-style: chr2-136575599-A-AGGGCCAGGCTGCC.
Other names: short protein forms L340fs.
Identifiers: ClinVar variation 4720430 (VCV004720430.1).
Genomic context (GRCh38, chr2:135,818,029, plus strand): 5'-TGATAGGCAGAGGCAGGAGAGGAGTCCGTGGTCTCGTGGTCCTGCTGCTGGTCAGGCTGA[A>AGGGCCAGGCTGCC]GGGCCAGGCTGCCAGTCAGAGAACAAGACATGCTGCAGGATTGAAGGGACAAAAAGGGAC-3'

ClinVar aggregate classification (germline): Pathogenic (1 of 4 stars; one submission).

Submission:

Labcorp Genetics (formerly Invitae), Labcorp
Classification: Pathogenic. Last evaluated: 2025-05-28. Review status: criteria provided, single submitter. Criteria: Invitae Variant Classification Sherloc (09022015). Collection method: clinical testing. Allele origin: germline.
Comment: This sequence change creates a premature translational stop signal (p.Leu340Argfs*8) in the LCT gene. It is expected to result in an absent or disrupted protein product. Loss-of-function variants in LCT are known to be pathogenic (PMID: 16400612, 25881162). This variant is not present in population databases (gnomAD no frequency). This variant has not been reported in the literature in individuals affected with LCT-related conditions. For these reasons, this variant has been classified as Pathogenic.

Literature cited by the submitters: PubMed 16400612; PubMed 25881162.